The following is an entry in ClinVar:

ClinVar aggregate classification (germline): Likely benign (1 of 4 stars; one submission).

Allele frequency attached by ClinVar (database versions not stated): ExAC 0.00001; TOPMed 0.00001; gnomAD 0.00003; 1000 Genomes Project 30x 0.00016; 1000 Genomes Project 0.00020.
gnomAD v4.1: 5 of 1,613,966 alleles (0.00031%); highest among the groups gnomAD compares: African/African-American, 0.0013%; no homozygotes.

Submission:

CeGaT Center for Human Genetics Tuebingen
Classification: Likely benign. Last evaluated: 2024-02-01. Review status: criteria provided, single submitter. Criteria: CeGaT Center For Human Genetics Tuebingen Variant Classification Criteria Version 2. Collection method: clinical testing. Allele origin: germline. Affected: yes. Observed: 2 variant alleles.
Comment: IRF2BPL: BP4, BP7

NM_024496.4(IRF2BPL):c.2262C>A (p.Gly754=)

Gene: IRF2BPL (interferon regulatory factor 2 binding protein like; minus strand). Cytogenetic location: 14q24.3.
Variant type: single nucleotide variant.
Coding change: c.2262C>A on transcript NM_024496.4 (MANE Select); coding-DNA position 2262, C replaced by A.
Protein change: p.Gly754=; no amino-acid change (glycine 754 retained).
Molecular consequence: synonymous variant.
Genome position (GRCh38, 1-based): chr14:77,025,531, G>T on the plus strand (C>A on the coding strand, the complement: IRF2BPL is on the minus strand). VCF-style: chr14-77025531-G-T. GRCh37 (hg19) VCF-style: chr14-77491874-G-T.
Identifiers: ClinVar variation 2644378 (VCV002644378.24), dbSNP rs577997949, ClinGen allele CA7283505.
Genomic context (GRCh38, chr14:77,025,531, plus strand): 5'-GGCCCAAGGTACATTCGACCCGACTAGGGGGCATTTCTCTCCGCTGGGGCAATACACCTC[G>T]CCGGTGGCCCCCTGGGCCTTGATACTCTCTCTAGAGCAAGGGAAGCAAAATTTGTGGCTG-3'
Protein context (NP_078772.1, residues 744-764): RESIKAQGAT[Gly754=]EVYCPSGEKC